The following is an entry in ClinVar:

ClinVar aggregate classification (germline): Uncertain significance (1 of 4 stars; one submission).

Submission:

Labcorp Genetics (formerly Invitae), Labcorp
Classification: Uncertain significance. Last evaluated: 2025-05-19. Review status: criteria provided, single submitter. Criteria: Invitae Variant Classification Sherloc (09022015). Collection method: clinical testing. Allele origin: germline.
Comment: This sequence change replaces glutamic acid, which is acidic and polar, with lysine, which is basic and polar, at codon 177 of the CASQ1 protein (p.Glu177Lys). This variant is present in population databases (no rsID available, gnomAD 0.002%). This variant has not been reported in the literature in individuals affected with CASQ1-related conditions. Invitae Evidence Modeling of protein sequence and biophysical properties (such as structural, functional, and spatial information, amino acid conservation, physicochemical variation, residue mobility, and thermodynamic stability) indicates that this missense variant is not expected to disrupt CASQ1 protein function with a negative predictive value of 80%. In summary, the available evidence is currently insufficient to determine the role of this variant in disease. Therefore, it has been classified as a Variant of Uncertain Significance.

NM_001231.5(CASQ1):c.529G>A (p.Glu177Lys)

Gene: CASQ1 (calsequestrin 1; plus strand). Cytogenetic location: 1q23.2.
Variant type: single nucleotide variant.
Coding change: c.529G>A on transcript NM_001231.5 (MANE Select); coding-DNA position 529, G replaced by A.
Protein change: p.Glu177Lys; replaces glutamic acid 177 with lysine.
Molecular consequence: missense variant.
Genome position (GRCh38, 1-based): chr1:160,195,075, G>A. VCF-style: chr1-160195075-G-A. GRCh37 (hg19) VCF-style: chr1-160164865-G-A.
Other names: short protein forms E177K.
Identifiers: ClinVar variation 4693242 (VCV004693242.1).